The following is an entry in ClinVar:

NM_015272.5(RPGRIP1L):c.-3G>A

Gene: RPGRIP1L (RPGRIP1 like; minus strand). Cytogenetic location: 16q12.2.
Variant type: single nucleotide variant.
Coding change: c.-3G>A on transcript NM_015272.5 (MANE Select); 3 bases upstream of the start codon, G replaced by A.
Molecular consequence: 5 prime UTR variant.
Genome position (GRCh38, 1-based): chr16:53,700,726, C>T on the plus strand (G>A on the coding strand, the complement: RPGRIP1L is on the minus strand). VCF-style: chr16-53700726-C-T. GRCh37 (hg19) VCF-style: chr16-53734638-C-T.
Other names: c.-3G>A (NM_001127897.4, NM_001308334.3, NM_001328422.2 and 2 more transcripts).
Identifiers: ClinVar variation 5000104 (VCV005000104.1).

ClinVar aggregate classification (germline): Likely benign (1 of 4 stars; one submission).

Conditions:
RPGRIP1L-related disorder. Also called: RPGRIP1L-related disorders; RPGRIP1L-related condition. Identifiers: MedGen CN239416.

Submission:

PreventionGenetics, part of Exact Sciences
Classification: Likely benign for RPGRIP1L-related condition. Last evaluated: 2024-10-20. Review status: criteria provided, single submitter. Criteria: ACMG Guidelines, 2015. Collection method: clinical testing. Allele origin: germline.
Comment: This variant is classified as likely benign based on ACMG/AMP sequence variant interpretation guidelines (Richards et al. 2015 PMID: 25741868, with internal and published modifications).